The following is an entry in ClinVar:

ClinVar aggregate classification (germline): Uncertain significance (1 of 4 stars; one submission).

Allele frequency attached by ClinVar (database versions not stated): gnomAD exomes 0.00001; TOPMed 0.00001; ExAC 0.00002; gnomAD 0.00002.
gnomAD v4.1: 13 of 1,613,904 alleles (0.00081%); highest among the groups gnomAD compares: African/African-American, 0.008%; no homozygotes.

Submission:

Labcorp Genetics (formerly Invitae), Labcorp
Classification: Uncertain significance. Last evaluated: 2022-08-09. Review status: criteria provided, single submitter. Criteria: Invitae Variant Classification Sherloc (09022015). Collection method: clinical testing. Allele origin: germline.
Comment: This sequence change replaces alanine, which is neutral and non-polar, with threonine, which is neutral and polar, at codon 1888 of the SPTBN2 protein (p.Ala1888Thr). Advanced modeling of protein sequence and biophysical properties (such as structural, functional, and spatial information, amino acid conservation, physicochemical variation, residue mobility, and thermodynamic stability) performed at Invitae indicates that this missense variant is not expected to disrupt SPTBN2 protein function. In summary, the available evidence is currently insufficient to determine the role of this variant in disease. Therefore, it has been classified as a Variant of Uncertain Significance. This variant is present in population databases (rs750213930, gnomAD 0.002%). This variant has not been reported in the literature in individuals affected with SPTBN2-related conditions.

NM_006946.4(SPTBN2):c.5662G>A (p.Ala1888Thr)

Gene: SPTBN2 (spectrin beta, non-erythrocytic 2; minus strand). Cytogenetic location: 11q13.2.
Variant type: single nucleotide variant.
Coding change: c.5662G>A on transcript NM_006946.4 (MANE Select); coding-DNA position 5662, G replaced by A.
Protein change: p.Ala1888Thr; replaces alanine 1888 with threonine.
Molecular consequence: missense variant.
Genome position (GRCh38, 1-based): chr11:66,690,187, C>T on the plus strand (G>A on the coding strand, the complement: SPTBN2 is on the minus strand). VCF-style: chr11-66690187-C-T. GRCh37 (hg19) VCF-style: chr11-66457658-C-T.
Other names: c.5683G>A, p.Ala1895Thr (NM_001411025.1); short protein forms A1895T, A1888T.
Identifiers: ClinVar variation 2182162 (VCV002182162.4), dbSNP rs750213930, ClinGen allele CA6128186.